The following is an entry in ClinVar:

ClinVar aggregate classification (germline): Uncertain significance (1 of 4 stars; one submission).

gnomAD v4.1: 3 of 1,613,718 alleles (0.00019%); highest among the groups gnomAD compares: Non-Finnish European, 0.00025%; no homozygotes.

Submission:

Ambry Genetics
Classification: Uncertain significance. Last evaluated: 2025-04-25. Review status: criteria provided, single submitter. Criteria: Ambry Variant Classification Scheme 2023. Collection method: clinical testing. Allele origin: germline.
Comment: The p.R733S variant (also known as c.2199A>T), located in coding exon 13 of the GEN1 gene, results from an A to T substitution at nucleotide position 2199. The arginine at codon 733 is replaced by serine, an amino acid with dissimilar properties. This amino acid position is conserved. In addition, this alteration is predicted to be tolerated by in silico analysis. Based on the available evidence, the clinical significance of this variant remains unclear.

NM_001130009.3(GEN1):c.2199A>T (p.Arg733Ser)

Gene: GEN1 (GEN1 Holliday junction 5' flap endonuclease; plus strand). Cytogenetic location: 2p24.2.
Variant type: single nucleotide variant.
Coding change: c.2199A>T on transcript NM_001130009.3 (MANE Select); coding-DNA position 2199, A replaced by T.
Protein change: p.Arg733Ser; replaces arginine 733 with serine.
Molecular consequence: missense variant.
Genome position (GRCh38, 1-based): chr2:17,781,411, A>T. VCF-style: chr2-17781411-A-T. GRCh37 (hg19) VCF-style: chr2-17962678-A-T.
Other names: c.2199A>T, p.Arg733Ser (NM_182625.5); short protein forms R733S.
Identifiers: ClinVar variation 4029258 (VCV004029258.1).
Genomic context (GRCh38, chr2:17,781,411, plus strand): 5'-TGATTGTACATCACATCTTTCAAAGGATCTTCCAGGAATTCCCTTGCAAAATGAATCCAG[A>T]GACTCTAAAATTCTAAAAGGAGACCAGCTGCTTCAAGAAGACTATAAAGTCAATACTTCT-3'
Protein context (NP_001123481.3, residues 723-743): LPGIPLQNES[Arg733Ser]DSKILKGDQL